The following is an entry in ClinVar:

NM_003052.5(SLC34A1):c.1174+1G>A

Gene: SLC34A1 (solute carrier family 34 member 1; plus strand). Cytogenetic location: 5q35.3.
Variant type: single nucleotide variant.
Coding change: c.1174+1G>A on transcript NM_003052.5 (MANE Select); the canonical splice donor site of the intron after coding-DNA position 1174, G replaced by A.
Molecular consequence: splice donor variant.
Genome position (GRCh38, 1-based): chr5:177,394,196, G>A. VCF-style: chr5-177394196-G-A. GRCh37 (hg19) VCF-style: chr5-176821197-G-A.
Identifiers: ClinVar variation 4074269 (VCV004074269.1).

ClinVar aggregate classification (germline): Likely pathogenic (1 of 4 stars; one submission).

Conditions:
Hypercalcemia, infantile, 2 (HCINF2). Identifiers: Orphanet 300547, MedGen C4310473, MONDO:0014851, OMIM 616963.
Fanconi renotubular syndrome 2 (FRTS2). Identifiers: MedGen C3150652, MONDO:0013247, OMIM 613388.
Hypophosphatemic nephrolithiasis/osteoporosis 1. Identifiers: Orphanet 244305, MedGen C2676786, MONDO:0012850, OMIM 612286.

gnomAD v4.1: 2 of 1,613,800 alleles (0.00012%); highest among the groups gnomAD compares: South Asian, 0.0011%; no homozygotes.

Submission:

Rare Kidney Stone Consortium and the Mayo Clinic Hyperoxaluria Center, Mayo Clinic
Classification: Likely pathogenic for Fanconi renotubular syndrome 2; Hypercalcemia, infantile, 2; Hypophosphatemic nephrolithiasis/osteoporosis 1. Last evaluated: 2025-05-01. Review status: criteria provided, single submitter. Criteria: ACMG Guidelines, 2015. Collection method: research. Allele origin: germline.
Comment: ACMG: PVS1, PM2

heterozygote. Could be significant in family.

Literature cited by the submitters: PubMed 34805638.